The following is an entry in ClinVar:

ClinVar aggregate classification (germline): Uncertain significance (1 of 4 stars; one submission).

Conditions:
Hereditary spastic paraplegia 39 (SPG39). Also called: SPASTIC PARAPLEGIA 39, AUTOSOMAL RECESSIVE; Spastic Paraplegia Type 39 (SPG39). Identifiers: Orphanet 139480, MedGen C2677586, MONDO:0012787, OMIM 612020.

Allele frequency attached by ClinVar (database versions not stated): gnomAD exomes below 0.00001.
gnomAD v4.1: 5 of 1,604,722 alleles (0.00031%); highest among the groups gnomAD compares: Middle Eastern, 0.017%; no homozygotes.

Submission:

Labcorp Genetics (formerly Invitae), Labcorp
Classification: Uncertain significance for Hereditary spastic paraplegia 39. Last evaluated: 2025-06-16. Review status: criteria provided, single submitter. Criteria: Invitae Variant Classification Sherloc (09022015). Collection method: clinical testing. Allele origin: germline.
Comment: This sequence change replaces methionine, which is neutral and non-polar, with threonine, which is neutral and polar, at codon 9 of the PNPLA6 protein (p.Met9Thr). This variant is not present in population databases (gnomAD no frequency). This variant has not been reported in the literature in individuals affected with PNPLA6-related conditions. ClinVar contains an entry for this variant (Variation ID: 2202447). An algorithm developed to predict the effect of missense changes on protein structure and function (PolyPhen-2) suggests that this variant is likely to be tolerated. In summary, the available evidence is currently insufficient to determine the role of this variant in disease. Therefore, it has been classified as a Variant of Uncertain Significance.

NC_000019.10:g.7535576T>C

Genes: PNPLA6 (patatin like domain 6, lysophospholipase; plus strand), LOC130063377 (ATAC-STARR-seq lymphoblastoid active region 13887; plus strand). Cytogenetic location: 19p13.2.
Variant type: single nucleotide variant.
Molecular consequence: missense variant (on NM_001166111.2).
Genome position: GRCh38 VCF-style: chr19-7535576-T-C. GRCh37 (hg19) VCF-style: chr19-7600462-T-C.
Other names: c.26T>C, p.Met9Thr (NM_001166111.2, NM_001166112.2, NM_001166113.1 and 1 more transcripts); short protein forms M9T.
Identifiers: ClinVar variation 2202447 (VCV002202447.3), dbSNP rs2512484574, ClinGen allele CA403093586.
Genomic context (GRCh38, chr19:7,535,576, plus strand): 5'-GGCTACCAGATCGGCCGTCCAGCTGGAATCAACCGATGGAGGCTCCGCTGCAAACTGGAA[T>C]GGTAAGGGGTGGGGCGGAGACCGGGTAGGTGCCGGCGTGGGGCGCCAAGAGGACTACAAC-3'